The following is an entry in ClinVar:

NM_001378452.1(ITPR1):c.2455G>T (p.Asp819Tyr)

Gene: ITPR1 (inositol 1,4,5-trisphosphate receptor type 1; plus strand). Cytogenetic location: 3p26.1.
Variant type: single nucleotide variant.
Coding change: c.2455G>T on transcript NM_001378452.1 (MANE Select); coding-DNA position 2455, G replaced by T.
Protein change: p.Asp819Tyr; replaces aspartic acid 819 with tyrosine.
Molecular consequence: missense variant.
Genome position (GRCh38, 1-based): chr3:4,673,386, G>T. VCF-style: chr3-4673386-G-T. GRCh37 (hg19) VCF-style: chr3-4715070-G-T.
Other names: c.2455G>T, p.Asp819Tyr (NM_001099952.4); c.2410G>T, p.Asp804Tyr (NM_001168272.2, NM_002222.7); short protein forms D804Y, D819Y.
Identifiers: ClinVar variation 520900 (VCV000520900.5), dbSNP rs200199463, ClinGen allele CA351647325.

ClinVar aggregate classification (germline): Uncertain significance (1 of 4 stars; one submission).

Conditions:
Inborn genetic diseases. Identifiers: MedGen C0950123, MeSH D030342.

Submission:

Ambry Genetics
Classification: Uncertain significance for Inborn genetic diseases. Last evaluated: 2022-08-31. Review status: criteria provided, single submitter. Criteria: Ambry Variant Classification Scheme 2023. Collection method: clinical testing. Allele origin: germline.
Comment: The c.2410G>T (p.D804Y) alteration is located in exon 20 (coding exon 18) of the ITPR1 gene. This alteration results from a G to T substitution at nucleotide position 2410, causing the aspartic acid (D) at amino acid position 804 to be replaced by a tyrosine (Y). This variant was not reported in population-based cohorts in the Genome Aggregation Database (gnomAD). This amino acid position is highly conserved in available vertebrate species. This alteration is predicted to be deleterious by in silico analysis. Based on insufficient or conflicting evidence, the clinical significance of this alteration remains unclear.